The following is an entry in ClinVar:

NM_000052.7(ATP7A):c.4402C>A (p.Leu1468Met)

Gene: ATP7A (ATPase copper transporting alpha; plus strand). Cytogenetic location: Xq21.1.
Variant type: single nucleotide variant.
Coding change: c.4402C>A on transcript NM_000052.7 (MANE Select); coding-DNA position 4402, C replaced by A.
Protein change: p.Leu1468Met; replaces leucine 1468 with methionine.
Molecular consequence: missense variant. On other transcripts: non-coding transcript variant (1).
Genome position (GRCh38, 1-based): chrX:78,046,469, C>A. VCF-style: chrX-78046469-C-A. GRCh37 (hg19) VCF-style: chrX-77301966-C-A.
Other names: p.Leu1468Met; c.4168C>A, p.Leu1390Met (NM_001282224.2); short protein forms L1390M, L1468M.
Identifiers: ClinVar variation 3380750 (VCV003380750.1).

ClinVar aggregate classification (germline): Uncertain significance (1 of 4 stars; one submission).

Submission:

Mayo Clinic Laboratories, Mayo Clinic
Classification: Uncertain significance. Last evaluated: 2023-11-01. Review status: criteria provided, single submitter. Criteria: ACMG Guidelines, 2015. Collection method: clinical testing. Allele origin: germline. Observed: 1 variant allele.
Comment: BP4, PM2